The following is an entry in ClinVar:

NM_012452.3(TNFRSF13B):c.446-5T>G

Gene: TNFRSF13B (TNF receptor superfamily member 13B; minus strand). Cytogenetic location: 17p11.2.
Variant type: single nucleotide variant.
Coding change: c.446-5T>G on transcript NM_012452.3 (MANE Select); 5 bases into the intron before coding-DNA position 446, T replaced by G.
Molecular consequence: intron variant.
Genome position (GRCh38, 1-based): chr17:16,940,516, A>C on the plus strand (T>G on the coding strand, the complement: TNFRSF13B is on the minus strand). VCF-style: chr17-16940516-A-C. GRCh37 (hg19) VCF-style: chr17-16843830-A-C.
Identifiers: ClinVar variation 4768273 (VCV004768273.1).

ClinVar aggregate classification (germline): Uncertain significance (1 of 4 stars; one submission).

Conditions:
Immunodeficiency, common variable, 2 (CVID2). Also called: ANTIBODY DEFICIENCY DUE TO TACI DEFECT; HYPOGAMMAGLOBULINEMIA DUE TO TACI DEFICIENCY. Identifiers: Orphanet 1572, MedGen C3150354, MONDO:0009413, OMIM 240500.

gnomAD v4.1: 4 of 1,613,014 alleles (0.00025%); highest among the groups gnomAD compares: Non-Finnish European, 0.00034%; no homozygotes.

Submission:

Labcorp Genetics (formerly Invitae), Labcorp
Classification: Uncertain significance for Immunodeficiency, common variable, 2. Last evaluated: 2025-10-22. Review status: criteria provided, single submitter. Criteria: Invitae Variant Classification Sherloc (09022015). Collection method: clinical testing. Allele origin: germline.
Comment: This sequence change falls in intron 3 of the TNFRSF13B gene. It does not directly change the encoded amino acid sequence of the TNFRSF13B protein. This variant is present in population databases (no rsID available, gnomAD 0.002%). This variant has not been reported in the literature in individuals affected with TNFRSF13B-related conditions. Algorithms developed to predict the effect of sequence changes on RNA splicing suggest that this variant may disrupt the consensus splice site. In summary, the available evidence is currently insufficient to determine the role of this variant in disease. Therefore, it has been classified as a Variant of Uncertain Significance.